The following is an entry in ClinVar:

ClinVar aggregate classification (germline): Likely benign (1 of 4 stars; one submission).

Allele frequency attached by ClinVar (database versions not stated): 1000 Genomes Project 30x 0.00125; 1000 Genomes Project 0.00160; TOPMed 0.00186; ESP Exome Variant Server 0.00261; gnomAD 0.00590; ExAC 0.00618.
gnomAD v4.1: 5,729 of 1,564,566 alleles (0.37%); highest among the groups gnomAD compares: Non-Finnish European, 0.25%; 65 homozygotes.

Submission:

CeGaT Center for Human Genetics Tuebingen
Classification: Likely benign. Last evaluated: 2023-02-01. Review status: criteria provided, single submitter. Criteria: CeGaT Center For Human Genetics Tuebingen Variant Classification Criteria Version 2. Collection method: clinical testing. Allele origin: germline. Affected: yes. Observed: 1 variant allele.
Comment: SLC1A7: BP4, BP7, BS2

NM_006671.6(SLC1A7):c.1650C>T (p.Thr550=)

Gene: SLC1A7 (solute carrier family 1 member 7; minus strand). Cytogenetic location: 1p32.3.
Variant type: single nucleotide variant.
Coding change: c.1650C>T on transcript NM_006671.6 (MANE Select); coding-DNA position 1650, C replaced by T.
Protein change: p.Thr550=; no amino-acid change (threonine 550 retained).
Molecular consequence: synonymous variant. On other transcripts: 3 prime UTR variant (1), non-coding transcript variant (1).
Genome position (GRCh38, 1-based): chr1:53,088,042, G>A on the plus strand (C>T on the coding strand, the complement: SLC1A7 is on the minus strand). VCF-style: chr1-53088042-G-A. GRCh37 (hg19) VCF-style: chr1-53553714-G-A.
Other names: c.1827C>T, p.Thr609= (NM_001287595.2); c.*34C>T (NM_001287597.2).
Identifiers: ClinVar variation 2638821 (VCV002638821.24), dbSNP rs140010762, ClinGen allele CA858205.
Genomic context (GRCh38, chr1:53,088,042, plus strand): 5'-CTCGCCTGCCCCTGCAGCTCCGCAGGCTCAGACATTGGTCTCCAGCTCACTGATCTGGAT[G>A]GTGCAGTGGTTCAGACTCGCAGCGGGCAGCTCCTCATCCTGCTCCACTTGAACGGGGACG-3'
Protein context (NP_006662.3, residues 540-560): ELPAASLNHC[Thr550=]IQISELETNV